The following is an entry in ClinVar:

ClinVar aggregate classification (germline): Uncertain significance. Review status: criteria provided, multiple submitters, no conflicts (2 of 4 stars). 2 submissions from 2 submitters: Uncertain significance (2). Last evaluated 2025-12-02.

Conditions:
Inborn genetic diseases. Identifiers: MedGen C0950123, MeSH D030342.

Allele frequency attached by ClinVar (database versions not stated): ExAC 0.00001; gnomAD 0.00003 and 0.00004; TOPMed below 0.00001; gnomAD exomes 0.00002.
gnomAD v4.1: 37 of 1,482,776 alleles (0.0025%); highest among the groups gnomAD compares: East Asian, 0.0023%; no homozygotes.

Submissions (2):

Ambry Genetics
Classification: Uncertain significance for Inborn genetic diseases. Last evaluated: 2025-12-02. Review status: criteria provided, single submitter. Criteria: Ambry Variant Classification Scheme 2023. Collection method: clinical testing. Allele origin: germline.

Labcorp Genetics (formerly Invitae), Labcorp
Classification: Uncertain significance. Last evaluated: 2022-03-17. Review status: criteria provided, single submitter. Criteria: Invitae Variant Classification Sherloc (09022015). Collection method: clinical testing. Allele origin: germline.
Comment: This sequence change replaces aspartic acid, which is acidic and polar, with asparagine, which is neutral and polar, at codon 857 of the COL18A1 protein (p.Asp857Asn). This variant is present in population databases (rs769737149, gnomAD 0.02%). This variant has not been reported in the literature in individuals affected with COL18A1-related conditions. Experimental studies and prediction algorithms are not available or were not evaluated, and the functional significance of this variant is currently unknown. In summary, the available evidence is currently insufficient to determine the role of this variant in disease. Therefore, it has been classified as a Variant of Uncertain Significance.

NM_001379500.1(COL18A1):c.2569G>A (p.Asp857Asn)

Gene: COL18A1 (collagen type XVIII alpha 1 chain; plus strand). Cytogenetic location: 21q22.3.
Variant type: single nucleotide variant.
Coding change: c.2569G>A on transcript NM_001379500.1 (MANE Select); coding-DNA position 2569, G replaced by A.
Protein change: p.Asp857Asn; replaces aspartic acid 857 with asparagine.
Molecular consequence: missense variant.
Genome position (GRCh38, 1-based): chr21:45,496,560, G>A. VCF-style: chr21-45496560-G-A. GRCh37 (hg19) VCF-style: chr21-46916474-G-A.
Other names: NM_130445.2:c.2569G>A; c.3109G>A, p.Asp1037Asn (NM_030582.4); c.3814G>A, p.Asp1272Asn (NM_130444.3); short protein forms D1272N, D1037N, D857N.
Identifiers: ClinVar variation 1373393 (VCV001373393.4), dbSNP rs769737149, ClinGen allele CA10067182.